The following is an entry in ClinVar:

NM_000350.3(ABCA4):c.2161-6T>C

Gene: ABCA4 (ATP binding cassette subfamily A member 4; minus strand). Cytogenetic location: 1p22.1.
Variant type: single nucleotide variant.
Coding change: c.2161-6T>C on transcript NM_000350.3 (MANE Select); 6 bases into the intron before coding-DNA position 2161, T replaced by C.
Molecular consequence: intron variant.
Genome position (GRCh38, 1-based): chr1:94,056,828, A>G on the plus strand (T>C on the coding strand, the complement: ABCA4 is on the minus strand). VCF-style: chr1-94056828-A-G. GRCh37 (hg19) VCF-style: chr1-94522384-A-G.
Identifiers: ClinVar variation 962406 (VCV000962406.7), dbSNP rs998974599, ClinGen allele CA26844268.

ClinVar aggregate classification (germline): Likely pathogenic (1 of 4 stars; one submission).

Allele frequency attached by ClinVar (database versions not stated): gnomAD 0.00001; TOPMed 0.00001.

Submission:

Labcorp Genetics (formerly Invitae), Labcorp
Classification: Likely pathogenic. Last evaluated: 2024-12-02. Review status: criteria provided, single submitter. Criteria: Invitae Variant Classification Sherloc (09022015). Collection method: clinical testing. Allele origin: germline.
Comment: This sequence change falls in intron 14 of the ABCA4 gene. It does not directly change the encoded amino acid sequence of the ABCA4 protein. This variant is not present in population databases (gnomAD no frequency). This variant has been observed in individuals with clinical features of ABCA4-related conditions (internal data). ClinVar contains an entry for this variant (Variation ID: 962406). Algorithms developed to predict the effect of sequence changes on RNA splicing suggest that this variant may disrupt the consensus splice site. In summary, the currently available evidence indicates that the variant is pathogenic, but additional data are needed to prove that conclusively. Therefore, this variant has been classified as Likely Pathogenic.